The following is an entry in ClinVar:

NM_002880.4(RAF1):c.1803+6G>C

Gene: RAF1 (Raf-1 proto-oncogene, serine/threonine kinase; minus strand). Cytogenetic location: 3p25.2.
Variant type: single nucleotide variant.
Coding change: c.1803+6G>C on transcript NM_002880.4 (MANE Select); 6 bases into the intron after coding-DNA position 1803, G replaced by C.
Molecular consequence: intron variant.
Genome position (GRCh38, 1-based): chr3:12,584,841, C>G on the plus strand (G>C on the coding strand, the complement: RAF1 is on the minus strand). VCF-style: chr3-12584841-C-G. GRCh37 (hg19) VCF-style: chr3-12626340-C-G.
Other names: c.1461+6G>C (NM_001354695.3); c.1560+6G>C (NM_001354692.3, NM_001354691.3); c.1620+6G>C (NM_001354694.3); c.1704+6G>C (NM_001354693.3); c.1863+6G>C (NM_001354689.3); c.1803+6G>C (NM_001354690.3).
Identifiers: ClinVar variation 515165 (VCV000515165.6), dbSNP rs1553609870, ClinGen allele CA658796240.

ClinVar aggregate classification (germline): Conflicting classifications of pathogenicity. Review status: criteria provided, conflicting classifications (1 of 4 stars). 3 submissions from 3 submitters: Uncertain significance (2); Likely benign (1). Last evaluated 2025-10-13.

Conditions:
Cardiovascular phenotype. Identifiers: MedGen CN230736.
RASopathy. Also called: rasopathies; Noonan spectrum disorder. Identifiers: Orphanet 536391, MedGen C5555857, MONDO:0021060.

gnomAD v4.1: 5 of 1,614,044 alleles (0.00031%); highest among the groups gnomAD compares: Non-Finnish European, 0.00042%; no homozygotes.

Submissions (3):

Labcorp Genetics (formerly Invitae), Labcorp
Classification: Uncertain significance for RASopathy. Last evaluated: 2025-10-13. Review status: criteria provided, single submitter. Criteria: Invitae Variant Classification Sherloc (09022015). Collection method: clinical testing. Allele origin: germline.
Comment: This sequence change falls in intron 16 of the RAF1 gene. It does not directly change the encoded amino acid sequence of the RAF1 protein. It affects a nucleotide within the consensus splice site. This variant is not present in population databases (gnomAD no frequency). This variant has not been reported in the literature in individuals affected with RAF1-related conditions. ClinVar contains an entry for this variant (Variation ID: 515165). Variants that disrupt the consensus splice site are a relatively common cause of aberrant splicing (PMID: 17576681, 9536098). Algorithms developed to predict the effect of sequence changes on RNA splicing suggest that this variant is not likely to affect RNA splicing. In summary, the available evidence is currently insufficient to determine the role of this variant in disease. Therefore, it has been classified as a Variant of Uncertain Significance.

Molecular Diagnostic Laboratory for Inherited Cardiovascular Disease, Montreal Heart Institute
Classification: Uncertain significance for Cardiovascular phenotype. Last evaluated: 2025-04-09. Review status: criteria provided, single submitter. Criteria: ACMG Guidelines, 2015. Collection method: clinical testing. Allele origin: germline. Affected: yes.
Comment: PM2, BP5

GeneDx
Classification: Likely benign. Last evaluated: 2018-02-01. Review status: criteria provided, single submitter. Criteria: GeneDx Variant Classification (06012015). Collection method: clinical testing. Allele origin: germline. Affected: yes.
Comment: This variant is considered likely benign or benign based on one or more of the following criteria: it is a conservative change, it occurs at a poorly conserved position in the protein, it is predicted to be benign by multiple in silico algorithms, and/or has population frequency not consistent with disease.

Literature cited by the submitters: PubMed 17576681 (cited by Labcorp Genetics (formerly Invitae), Labcorp); PubMed 9536098 (cited by Labcorp Genetics (formerly Invitae), Labcorp).